The following is an entry in ClinVar:

ClinVar aggregate classification (germline): Uncertain significance (1 of 4 stars; one submission).

Conditions:
Hypertrophic cardiomyopathy 1 (CMH1). Also called: Familial hypertrophic cardiomyopathy 1; MYH7-Related Familial Hypertrophic Cardiomyopathy. Identifiers: MedGen C3495498, MONDO:0008647, OMIM 192600.

Submission:

Labcorp Genetics (formerly Invitae), Labcorp
Classification: Uncertain significance for Hypertrophic cardiomyopathy 1. Last evaluated: 2023-02-20. Review status: criteria provided, single submitter. Criteria: Invitae Variant Classification Sherloc (09022015). Collection method: clinical testing. Allele origin: germline.
Comment: In summary, the available evidence is currently insufficient to determine the role of this variant in disease. Therefore, it has been classified as a Variant of Uncertain Significance. Advanced modeling of protein sequence and biophysical properties (such as structural, functional, and spatial information, amino acid conservation, physicochemical variation, residue mobility, and thermodynamic stability) has been performed at Invitae for this missense variant, however the output from this modeling did not meet the statistical confidence thresholds required to predict the impact of this variant on MYLK2 protein function. This variant has not been reported in the literature in individuals affected with MYLK2-related conditions. This variant is not present in population databases (gnomAD no frequency). This sequence change replaces tyrosine, which is neutral and polar, with cysteine, which is neutral and slightly polar, at codon 456 of the MYLK2 protein (p.Tyr456Cys).

NM_033118.4(MYLK2):c.1367A>G (p.Tyr456Cys)

Gene: MYLK2 (myosin light chain kinase 2; plus strand). Cytogenetic location: 20q11.21.
Variant type: single nucleotide variant.
Coding change: c.1367A>G on transcript NM_033118.4 (MANE Select); coding-DNA position 1367, A replaced by G.
Protein change: p.Tyr456Cys; replaces tyrosine 456 with cysteine.
Molecular consequence: missense variant.
Genome position (GRCh38, 1-based): chr20:31,831,084, A>G. VCF-style: chr20-31831084-A-G. GRCh37 (hg19) VCF-style: chr20-30418887-A-G.
Other names: short protein forms Y456C.
Identifiers: ClinVar variation 2964844 (VCV002964844.3), dbSNP rs2515460388, ClinGen allele CA408527723.